The following is an entry in ClinVar:

ClinVar aggregate classification (germline): Uncertain significance (1 of 4 stars; one submission).

Conditions:
Familial hemiplegic migraine. Identifiers: MedGen C0338484, MONDO:0000700.

Allele frequency attached by ClinVar (database versions not stated): gnomAD exomes below 0.00001; ExAC 0.00001; gnomAD 0.00001.
gnomAD v4.1: 2 of 1,614,084 alleles (0.00012%); highest among the groups gnomAD compares: Admixed American, 0.0017%; no homozygotes.

Submission:

Labcorp Genetics (formerly Invitae), Labcorp
Classification: Uncertain significance for Familial hemiplegic migraine. Last evaluated: 2024-02-24. Review status: criteria provided, single submitter. Criteria: Invitae Variant Classification Sherloc (09022015). Collection method: clinical testing. Allele origin: germline.
Comment: This sequence change replaces asparagine, which is neutral and polar, with lysine, which is basic and polar, at codon 653 of the ATP1A2 protein (p.Asn653Lys). This variant is present in population databases (rs768301089, gnomAD 0.003%). This variant has not been reported in the literature in individuals affected with ATP1A2-related conditions. ClinVar contains an entry for this variant (Variation ID: 962455). Advanced modeling of protein sequence and biophysical properties (such as structural, functional, and spatial information, amino acid conservation, physicochemical variation, residue mobility, and thermodynamic stability) has been performed at Invitae for this missense variant, however the output from this modeling did not meet the statistical confidence thresholds required to predict the impact of this variant on ATP1A2 protein function. In summary, the available evidence is currently insufficient to determine the role of this variant in disease. Therefore, it has been classified as a Variant of Uncertain Significance.

NM_000702.4(ATP1A2):c.1959C>A (p.Asn653Lys)

Gene: ATP1A2 (ATPase Na+/K+ transporting subunit alpha 2; plus strand). Cytogenetic location: 1q23.2.
Variant type: single nucleotide variant.
Coding change: c.1959C>A on transcript NM_000702.4 (MANE Select); coding-DNA position 1959, C replaced by A.
Protein change: p.Asn653Lys; replaces asparagine 653 with lysine.
Molecular consequence: missense variant.
Genome position (GRCh38, 1-based): chr1:160,134,615, C>A. VCF-style: chr1-160134615-C-A. GRCh37 (hg19) VCF-style: chr1-160104405-C-A.
Other names: short protein forms N653K.
Identifiers: ClinVar variation 962455 (VCV000962455.9), dbSNP rs768301089, ClinGen allele CA1194615.